The following is an entry in ClinVar:

NM_000256.3(MYBPC3):c.2186C>A (p.Thr729Asn)

Gene: MYBPC3 (myosin binding protein C3; minus strand). Cytogenetic location: 11p11.2.
Variant type: single nucleotide variant.
Coding change: c.2186C>A on transcript NM_000256.3 (MANE Select); coding-DNA position 2186, C replaced by A.
Protein change: p.Thr729Asn; replaces threonine 729 with asparagine.
Molecular consequence: missense variant.
Genome position (GRCh38, 1-based): chr11:47,338,642, G>T on the plus strand (C>A on the coding strand, the complement: MYBPC3 is on the minus strand). VCF-style: chr11-47338642-G-T. GRCh37 (hg19) VCF-style: chr11-47360193-G-T.
Other names: short protein forms T729N.
Identifiers: ClinVar variation 3387120 (VCV003387120.1).
Genomic context (GRCh38, chr11:47,338,642, plus strand): 5'-TAGACGCCCTCATCTTCCTTCTCTGCCCCCTCGACCGTGAAGATGCTGCGGTCCTTGGTG[G>T]TCTCCACGCGGACCCGGCCCTCGGTCTCACACAGCAGCTGGGGGGGTGCAGAGTTGGGGT-3'
Protein context (NP_000247.2, residues 719-739): CETEGRVRVE[Thr729Asn]TKDRSIFTVE

ClinVar aggregate classification (germline): Uncertain significance (1 of 4 stars; one submission).

Conditions:
Hypertrophic cardiomyopathy. Also called: HYPERTROPHIC MYOCARDIOPATHY. Identifiers: Orphanet 217569, MedGen C0007194, MeSH D002312, MONDO:0005045, HP:0001639.

gnomAD v4.1: 2 of 1,613,688 alleles (0.00012%); highest among the groups gnomAD compares: South Asian, 0.0022%; no homozygotes.

Submission:

All of Us Research Program, National Institutes of Health
Classification: Uncertain significance for Hypertrophic cardiomyopathy. Last evaluated: 2024-08-06. Review status: criteria provided, single submitter. Criteria: ACMG Guidelines, 2015. Collection method: clinical testing. Allele origin: germline. Inheritance: Autosomal dominant inheritance. Observed: 1 variant allele, 1 heterozygote.
Comment: This study involves interpretation of variants in research participants for the purpose of population health screening. Participant phenotype was not available at the time of variant classification. Additional details can be found in publication PMID: 35346344, PMCID: PMC8962531